The following is an entry in ClinVar:

NM_000234.3(LIG1):c.549G>A (p.Thr183=)

Gene: LIG1 (DNA ligase 1; minus strand). Cytogenetic location: 19q13.33.
Variant type: single nucleotide variant.
Coding change: c.549G>A on transcript NM_000234.3 (MANE Select); coding-DNA position 549, G replaced by A.
Protein change: p.Thr183=; no amino-acid change (threonine 183 retained).
Molecular consequence: synonymous variant. On other transcripts: non-coding transcript variant (6), intron variant (1).
Genome position (GRCh38, 1-based): chr19:48,151,257, C>T on the plus strand (G>A on the coding strand, the complement: LIG1 is on the minus strand). VCF-style: chr19-48151257-C-T. GRCh37 (hg19) VCF-style: chr19-48654514-C-T.
Other names: c.456G>A, p.Thr152= (NM_001289063.2); c.546G>A, p.Thr182= (NM_001320970.2); c.459G>A, p.Thr153= (NM_001320971.2); c.371-1047G>A (NM_001289064.2).
Identifiers: ClinVar variation 2765924 (VCV002765924.7), dbSNP rs776520713, ClinGen allele CA9547246.

ClinVar aggregate classification (germline): Likely benign. Review status: criteria provided, multiple submitters, no conflicts (2 of 4 stars). 2 submissions from 2 submitters: Likely benign (2). Last evaluated 2026-02-01.

Allele frequency attached by ClinVar (database versions not stated): ExAC 0.00001.
gnomAD v4.1: 17 of 1,613,246 alleles (0.0011%); highest among the groups gnomAD compares: Middle Eastern, 0.016%; no homozygotes.

Submissions (2):

CeGaT Center for Human Genetics Tuebingen
Classification: Likely benign. Last evaluated: 2026-02-01. Review status: criteria provided, single submitter. Criteria: CeGaT Center For Human Genetics Tuebingen Variant Classification Criteria Version 2. Collection method: clinical testing. Allele origin: germline. Affected: yes. Observed: 1 variant allele.
Comment: LIG1: BP4, BP7

Labcorp Genetics (formerly Invitae), Labcorp
Classification: Likely benign. Last evaluated: 2025-04-10. Review status: criteria provided, single submitter. Criteria: Invitae Variant Classification Sherloc (09022015). Collection method: clinical testing. Allele origin: germline.